The following is an entry in ClinVar:

NM_000297.4(PKD2):c.1898+1G>A

Gene: PKD2 (polycystin 2, transient receptor potential cation channel; plus strand). Cytogenetic location: 4q22.1.
Variant type: single nucleotide variant.
Coding change: c.1898+1G>A on transcript NM_000297.4 (MANE Select); the canonical splice donor site of the intron after coding-DNA position 1898, G replaced by A.
Molecular consequence: splice donor variant.
Genome position (GRCh38, 1-based): chr4:88,056,268, G>A. VCF-style: chr4-88056268-G-A. GRCh37 (hg19) VCF-style: chr4-88977420-G-A.
Other names: c.1673+1G>A (NM_001440544.1).
Identifiers: ClinVar variation 4540986 (VCV004540986.5).
Genomic context (GRCh38, chr4:88,056,268, plus strand): 5'-GTTGGCATACCTTGTCTTTGGCACTCAGGTCGATGACTTCAGTACTTTCCAAGAGTGTAT[G>A]TAAGTATATATGAAATTAAGAAGAAAAATTTAATCAGAGTTGTCACTGCTTCTCAAGAAT-3'

ClinVar aggregate classification (germline): Pathogenic. Review status: criteria provided, multiple submitters, no conflicts (2 of 4 stars). 2 submissions from 2 submitters: Pathogenic (2). Last evaluated 2026-02-01.

Submissions (2):

CeGaT Center for Human Genetics Tuebingen
Classification: Pathogenic. Last evaluated: 2026-02-01. Review status: criteria provided, single submitter. Criteria: CeGaT Center For Human Genetics Tuebingen Variant Classification Criteria Version 2. Collection method: clinical testing. Allele origin: germline. Affected: yes. Observed: 1 variant allele.
Comment: PKD2: PVS1, PM2, PS4:Supporting

Mayo Clinic Laboratories, Mayo Clinic
Classification: Pathogenic. Last evaluated: 2025-07-09. Review status: criteria provided, single submitter. Criteria: ACMG Guidelines, 2015. Collection method: clinical testing. Allele origin: germline. Observed: 1 variant allele.
Comment: PM2_supporting, PS4_supporting, PVS1

Literature cited by the submitters: PubMed 17582161 (cited by Mayo Clinic Laboratories, Mayo Clinic); PubMed 25525159 (cited by Mayo Clinic Laboratories, Mayo Clinic).